The following is an entry in ClinVar:

ClinVar aggregate classification (germline): Pathogenic (1 of 4 stars; one submission).

Conditions:
Familial cancer of breast. Also called: Hereditary breast cancer; BREAST CANCER, FAMILIAL; hereditary breast carcinoma. Identifiers: Orphanet 227535, MedGen C0346153, MONDO:0016419, OMIM 114480. Disease mechanism: loss of function.

Submission:

Myriad Genetics, Inc.
Classification: Pathogenic for Familial cancer of breast. Last evaluated: 2023-09-14. Review status: criteria provided, single submitter. Criteria: Myriad Autosomal Dominant, Autosomal Recessive and X-Linked Classification Criteria (2023). Collection method: clinical testing. Allele origin: unknown.
Comment: This variant is considered pathogenic. This variant creates a frameshift predicted to result in premature protein truncation.

NM_024675.4(PALB2):c.3179_3180del (p.Cys1060fs)

Gene: PALB2 (partner and localizer of BRCA2; minus strand). Cytogenetic location: 16p12.2.
Variant type: Deletion.
Coding change: c.3179_3180del on transcript NM_024675.4 (MANE Select); coding-DNA positions 3179 to 3180, 2 bases deleted (GT; older notation c.3179_3180delGT).
Protein change: p.Cys1060fs; shifts the reading frame from cysteine 1060.
Molecular consequence: frameshift variant. On other transcripts: intron variant (3).
Genome position (GRCh38, 1-based): chr16:23,614,025-23,614,026, AC deleted on the plus strand (GT on the coding strand, the reverse complement: PALB2 is on the minus strand); deleting any 2 consecutive bases within chr16:23,614,025-23,614,027 gives the same sequence; the c. name uses the placement nearest the transcript's 3' end. VCF-style (leftmost placement, unchanged base first): chr16-23614024-GAC-G. GRCh37 (hg19) VCF-style: chr16-23625345-GAC-G.
Other names: c.3119_3120del, p.Cys1040fs (NM_001407296.1); c.3107_3108del, p.Cys1036fs (NM_001407297.1); c.3017_3018del, p.Cys1006fs (NM_001407298.1, NM_001407302.1); c.2900_2901del, p.Cys967fs (NM_001407300.1); c.3179_3180del, p.Cys1060fs (NM_001407301.1); c.2294_2295del, p.Cys765fs (NM_001407304.1, NM_001407305.1, NM_001407306.1 and 2 more transcripts); c.2132_2133del, p.Cys711fs (NM_001407307.1); c.1391_1392del, p.Cys464fs (NM_001407312.1, NM_001407313.1); and 3 more; short protein forms C1006fs, C1036fs, C1040fs, C1060fs, C238fs, C464fs, C711fs, C765fs.
Identifiers: ClinVar variation 2674165 (VCV002674165.1), dbSNP rs2506264968, ClinGen allele CA2695197601.